The following is an entry in ClinVar:

ClinVar aggregate classification (germline): Likely benign (0 of 4 stars; one submission).

Conditions:
PI4KA-related disorder. Also called: PI4KA-related condition; PI4KA-related disorders. Identifiers: MedGen CN378147, MONDO:1040012.

Allele frequency attached by ClinVar (database versions not stated): TOPMed 0.00002.
gnomAD v4.1: 5 of 1,613,988 alleles (0.00031%); highest among the groups gnomAD compares: South Asian, 0.0033%; no homozygotes.

Submission:

PreventionGenetics, part of Exact Sciences
Classification: Likely benign for PI4KA-related condition. Last evaluated: 2021-06-18. Review status: no assertion criteria provided. Collection method: clinical testing. Allele origin: germline.
Comment: This variant is classified as likely benign based on ACMG/AMP sequence variant interpretation guidelines (Richards et al. 2015 PMID: 25741868, with internal and published modifications).

NM_058004.4(PI4KA):c.3009C>T (p.Ser1003=)

Gene: PI4KA (phosphatidylinositol 4-kinase alpha; minus strand). Cytogenetic location: 22q11.21.
Variant type: single nucleotide variant.
Coding change: c.3009C>T on transcript NM_058004.4 (MANE Select); coding-DNA position 3009, C replaced by T.
Protein change: p.Ser1003=; no amino-acid change (serine 1003 retained).
Molecular consequence: synonymous variant.
Genome position (GRCh38, 1-based): chr22:20,751,734, G>A on the plus strand (C>T on the coding strand, the complement: PI4KA is on the minus strand). VCF-style: chr22-20751734-G-A. GRCh37 (hg19) VCF-style: chr22-21106022-G-A.
Other names: c.3009C>T, p.Ser1003= (NM_001362862.2); c.2943C>T, p.Ser981= (NM_001362863.2).
Identifiers: ClinVar variation 3029475 (VCV003029475.2), dbSNP rs1029117680, ClinGen allele CA322240537.
Genomic context (GRCh38, chr22:20,751,734, plus strand): 5'-AGCGCTCAGTGACAGTGACAGGGTCTGCAGGATGTCCAGCATGGTCTTCAGCACAGTCCC[G>A]CTCCAGAGCAAGTGGGGAAACCTGCACCAAGAGCCAGCTCTCAGGACCAAGAGCCAAACC-3'
Protein context (NP_477352.3, residues 993-1013): LVDKFPHLLW[Ser1003=]GTVLKTMLDI